The following is an entry in ClinVar:

NM_001367624.2(ZNF469):c.5del (p.Pro2fs)

Gene: ZNF469 (zinc finger protein 469; plus strand). Cytogenetic location: 16q24.2.
Variant type: Deletion.
Coding change: c.5del on transcript NM_001367624.2 (MANE Select); coding-DNA position 5, one base deleted (C; older notation c.5delC).
Protein change: p.Pro2fs; shifts the reading frame from proline 2.
Molecular consequence: frameshift variant.
Genome position (GRCh38, 1-based): chr16:88,427,475, C deleted; the last of 2 consecutive C bases (chr16:88,427,474-88,427,475); deleting either gives the same sequence. VCF-style (leftmost placement, unchanged base first): chr16-88427473-GC-G. GRCh37 (hg19) VCF-style: chr16-88493881-GC-G.
Other names: short protein forms P2fs.
Identifiers: ClinVar variation 3003277 (VCV003003277.3), dbSNP rs2507569796, ClinGen allele CA2740093449.

ClinVar aggregate classification (germline): Pathogenic (1 of 4 stars; one submission).

Submission:

Labcorp Genetics (formerly Invitae), Labcorp
Classification: Pathogenic. Last evaluated: 2023-08-07. Review status: criteria provided, single submitter. Criteria: Invitae Variant Classification Sherloc (09022015). Collection method: clinical testing. Allele origin: germline.
Comment: This sequence change creates a premature translational stop signal (p.Pro2Leufs*13) in the ZNF469 gene. It is expected to result in an absent or disrupted protein product. Loss-of-function variants in ZNF469 are known to be pathogenic (PMID: 23642083, 23680354). This variant is not present in population databases (gnomAD no frequency). This variant has not been reported in the literature in individuals affected with ZNF469-related conditions. For these reasons, this variant has been classified as Pathogenic.

Literature cited by the submitters: PubMed 23642083; PubMed 23680354.